The following is an entry in ClinVar:

NC_012920.1(MT-ND5):m.13415G>A

Gene: MT-ND5 (mitochondrially encoded NADH dehydrogenase 5; plus strand).
Variant type: single nucleotide variant.
Genome position: chrM-13415-G-A.
Identifiers: ClinVar variation 693553 (VCV000693553.1), dbSNP rs1603224181, ClinGen allele CA414817902.

ClinVar aggregate classification (germline): Uncertain significance (1 of 4 stars; one submission).

Conditions:
Leigh syndrome (NULS). Also called: Leigh's necrotizing encephalopathy; Leigh's disease; Leigh Syndrome (mtDNA deletion); Leigh Disease; Subacute necrotizing encephalopathy; Necrotizing encephalopathy infantile subacute of Leigh. Identifiers: Orphanet 506, MedGen C2931891, MONDO:0009723, OMIM 256000.

Submission:

Wong Mito Lab, Molecular and Human Genetics, Baylor College of Medicine
Classification: Uncertain significance for Leigh syndrome. Last evaluated: 2019-10-17. Review status: criteria provided, single submitter. Criteria: Modified ACMG Guidelines (Unpublished). Collection method: clinical testing. Allele origin: germline.
Comment: The NC_012920.1:m.13415G>A (YP_003024036.1:p.Gly360Glu) variant in MTND5 gene is interpretated to be a Uncertain Significance variant based on the modified ACMG guidelines (unpublished). This variant meets the following evidence codes: PP6, PP7